The following is an entry in ClinVar:

ClinVar aggregate classification (germline): Uncertain significance. Review status: criteria provided, multiple submitters, no conflicts (2 of 4 stars). 2 submissions from 2 submitters: Uncertain significance (2). Last evaluated 2025-08-28.

Conditions:
Inborn genetic diseases. Identifiers: MedGen C0950123, MeSH D030342.
Spastic paraplegia. Identifiers: MedGen C0037772, HP:0001258.

Allele frequency attached by ClinVar (database versions not stated): TOPMed below 0.00001; gnomAD exomes 0.00001; ExAC 0.00003.
gnomAD v4.1: 20 of 1,606,726 alleles (0.0012%); highest among the groups gnomAD compares: Admixed American, 0.0034%; no homozygotes.

Submissions (2):

Ambry Genetics
Classification: Uncertain significance for Inborn genetic diseases. Last evaluated: 2025-08-28. Review status: criteria provided, single submitter. Criteria: Ambry Variant Classification Scheme 2023. Collection method: clinical testing. Allele origin: germline.

Labcorp Genetics (formerly Invitae), Labcorp
Classification: Uncertain significance for Spastic paraplegia. Last evaluated: 2022-02-05. Review status: criteria provided, single submitter. Criteria: Invitae Variant Classification Sherloc (09022015). Collection method: clinical testing. Allele origin: germline.
Comment: This sequence change replaces phenylalanine, which is neutral and non-polar, with leucine, which is neutral and non-polar, at codon 16 of the AP4E1 protein (p.Phe16Leu). This variant is present in population databases (rs763655101, gnomAD 0.003%). This variant has not been reported in the literature in individuals affected with AP4E1-related conditions. Algorithms developed to predict the effect of missense changes on protein structure and function (SIFT, PolyPhen-2, Align-GVGD) all suggest that this variant is likely to be tolerated. In summary, the available evidence is currently insufficient to determine the role of this variant in disease. Therefore, it has been classified as a Variant of Uncertain Significance.

NM_007347.5(AP4E1):c.46T>C (p.Phe16Leu)

Gene: AP4E1 (adaptor related protein complex 4 subunit epsilon 1; plus strand). Cytogenetic location: 15q21.2.
Variant type: single nucleotide variant.
Coding change: c.46T>C on transcript NM_007347.5 (MANE Select); coding-DNA position 46, T replaced by C.
Protein change: p.Phe16Leu; replaces phenylalanine 16 with leucine.
Molecular consequence: missense variant. On other transcripts: 5 prime UTR variant (1).
Genome position (GRCh38, 1-based): chr15:50,908,824, T>C. VCF-style: chr15-50908824-T-C. GRCh37 (hg19) VCF-style: chr15-51201021-T-C.
Other names: c.-203T>C (NM_001252127.2); c.46T>C (NM_007347.3); short protein forms F16L.
Identifiers: ClinVar variation 1505645 (VCV001505645.6), dbSNP rs763655101, ClinGen allele CA7558629.
Genomic context (GRCh38, chr15:50,908,824, plus strand): 5'-CGGGCGGCGGCGGCGATGAGCGACATAGTGGAGAAGACGCTGACGGCGCTGCCGGGACTC[T>C]TTCTGCAGAACCAGCCCGGTGGTGGGCCCGCGGCCGCCAAGGCGTCCTTCTCCTCGAGGC-3'
Protein context (NP_031373.2, residues 6-26): EKTLTALPGL[Phe16Leu]LQNQPGGGPA